The following is an entry in ClinVar:

NM_017617.5(NOTCH1):c.4669G>A (p.Asp1557Asn)

Gene: NOTCH1 (notch receptor 1; minus strand). Cytogenetic location: 9q34.3.
Variant type: single nucleotide variant.
Coding change: c.4669G>A on transcript NM_017617.5 (MANE Select); coding-DNA position 4669, G replaced by A.
Protein change: p.Asp1557Asn; replaces aspartic acid 1557 with asparagine.
Molecular consequence: missense variant.
Genome position (GRCh38, 1-based): chr9:136,505,022, C>T on the plus strand (G>A on the coding strand, the complement: NOTCH1 is on the minus strand). VCF-style: chr9-136505022-C-T. GRCh37 (hg19) VCF-style: chr9-139399474-C-T.
Other names: short protein forms D1557N.
Identifiers: ClinVar variation 3300453 (VCV003300453.1).

ClinVar aggregate classification (germline): Uncertain significance (1 of 4 stars; one submission).

Conditions:
Familial thoracic aortic aneurysm and aortic dissection (TAAD). Also called: Thoracic aortic aneurysms and dissections. Identifiers: Orphanet 91387, MedGen C4707243, MONDO:0019625.

Submission:

Ambry Genetics
Classification: Uncertain significance for Familial thoracic aortic aneurysm and aortic dissection. Last evaluated: 2024-04-14. Review status: criteria provided, single submitter. Criteria: Ambry Variant Classification Scheme 2023. Collection method: clinical testing. Allele origin: germline.
Comment: The p.D1557N variant (also known as c.4669G>A), located in coding exon 26 of the NOTCH1 gene, results from a G to A substitution at nucleotide position 4669. The aspartic acid at codon 1557 is replaced by asparagine, an amino acid with highly similar properties. This amino acid position is conserved. In addition, the in silico prediction for this alteration is inconclusive. Based on the available evidence, the clinical significance of this variant remains unclear.